The following is an entry in ClinVar:

ClinVar aggregate classification (germline): Likely benign. Review status: criteria provided, multiple submitters, no conflicts (2 of 4 stars). 3 submissions from 3 submitters: Likely benign (2). 1 of the submissions does not count toward it. Last evaluated 2025-10-20.

Conditions:
ASPH-related disorder. Also called: ASPH-related condition.
Exercise-induced malignant hyperthermia. Also called: Exercise-triggered malignant hyperthermia. Identifiers: Orphanet 466650, MedGen C5700399, MONDO:0018752, HP:0034732.

Allele frequency attached by ClinVar (database versions not stated): ESP Exome Variant Server 0.00077; gnomAD 0.00078; gnomAD exomes 0.00084; TOPMed 0.00084; 1000 Genomes Project 30x 0.00094; ExAC 0.00095; 1000 Genomes Project 0.00100.
gnomAD v4.1: 1,349 of 1,605,046 alleles (0.084%); highest among the groups gnomAD compares: Admixed American, 0.14%; 2 homozygotes.

Submissions (3):

PreventionGenetics, part of Exact Sciences
Classification: Likely benign for ASPH-related condition. Last evaluated: 2025-10-20. Review status: criteria provided, single submitter. Criteria: ACMG Guidelines, 2015. Collection method: clinical testing. Allele origin: germline.
Comment: This variant is classified as likely benign based on ACMG/AMP sequence variant interpretation guidelines (Richards et al. 2015 PMID: 25741868, with internal and published modifications).

CeGaT Center for Human Genetics Tuebingen
Classification: Likely benign. Last evaluated: 2022-04-01. Review status: criteria provided, single submitter. Criteria: CeGaT Center For Human Genetics Tuebingen Variant Classification Criteria Version 2. Collection method: clinical testing. Allele origin: germline. Affected: yes. Observed: 1 variant allele.
Comment: ASPH: BP4

James Dowling Lab, The Hospital For Sick Children
Classification: Pathogenic for Exercise-induced malignant hyperthermia. Last evaluated: 2022-05-03. Review status: no assertion criteria provided. Collection method: research. Allele origin: unknown. Affected: yes. Not counted in ClinVar's aggregate classification.

NM_004318.4(ASPH):c.323-11619A>G

Gene: ASPH (aspartate beta-hydroxylase; minus strand). Cytogenetic location: 8q12.3.
Variant type: single nucleotide variant.
Coding change: c.323-11619A>G on transcript NM_004318.4 (MANE Select); 11619 bases into the intron before coding-DNA position 323, A replaced by G.
Molecular consequence: intron variant. On other transcripts: missense variant (2).
Genome position (GRCh38, 1-based): chr8:61,665,279, T>C on the plus strand (A>G on the coding strand, the complement: ASPH is on the minus strand). VCF-style: chr8-61665279-T-C. GRCh37 (hg19) VCF-style: chr8-62577838-T-C.
Other names: c.650A>G, p.Lys217Arg (NM_020164.5); c.605A>G, p.Lys202Arg (NM_032467.4); c.236-11619A>G (NM_001164750.2); c.323-11619A>G (NM_001164755.2, NM_001164754.2, NM_032466.4); c.281-11619A>G (NM_001164753.2, NM_001164752.2, NM_001164751.2 and 1 more transcripts); c.650A>G (NM_020164.4); short protein forms K202R, K217R.
Identifiers: ClinVar variation 1683486 (VCV001683486.26), dbSNP rs145678786, ClinGen allele CA4762316.